The following is an entry in ClinVar:

NC_000008.10:g.(?_48761695)_(48766795_?)del

Gene: PRKDC (protein kinase, DNA-activated, catalytic subunit; minus strand). Cytogenetic location: 8q11.21.
Variant type: Deletion.
Identifiers: ClinVar variation 2425654 (VCV002425654.3).

ClinVar aggregate classification (germline): Uncertain significance (1 of 4 stars; one submission).

Conditions:
Severe combined immunodeficiency due to DNA-PKcs deficiency. Also called: IMMUNODEFICIENCY 26 WITH NEUROLOGIC ABNORMALITIES; Immunodeficiency 26 with or without neurologic abnormalities. Identifiers: Orphanet 317425, MedGen C4014833, MONDO:0014423, OMIM 615966.

Submission:

Labcorp Genetics (formerly Invitae), Labcorp
Classification: Uncertain significance for Severe combined immunodeficiency due to DNA-PKcs deficiency. Last evaluated: 2022-08-23. Review status: criteria provided, single submitter. Criteria: Invitae Variant Classification Sherloc (09022015). Collection method: clinical testing. Allele origin: germline.
Comment: Experimental studies and prediction algorithms are not available or were not evaluated, and the functional significance of this variant is currently unknown. In summary, the available evidence is currently insufficient to determine the role of this variant in disease. Therefore, it has been classified as a Variant of Uncertain Significance. This variant has not been reported in the literature in individuals affected with PRKDC-related conditions. This variant is a gross deletion of the genomic region encompassing exon(s) 51-54 of the PRKDC gene. This variant would be expected to be in-frame, preserving the integrity of the reading frame.